The following is an entry in ClinVar:

NM_002755.4(MAP2K1):c.1023-8C>T

Gene: MAP2K1 (mitogen-activated protein kinase kinase 1; plus strand). Cytogenetic location: 15q22.31.
Variant type: single nucleotide variant.
Coding change: c.1023-8C>T on transcript NM_002755.4 (MANE Select); 8 bases into the intron before coding-DNA position 1023, C replaced by T.
Molecular consequence: intron variant.
Genome position (GRCh38, 1-based): chr15:66,489,710, C>T. VCF-style: chr15-66489710-C-T. GRCh37 (hg19) VCF-style: chr15-66782048-C-T.
Other names: p.?.
Identifiers: ClinVar variation 40760 (VCV000040760.39), dbSNP rs41306345, ClinGen allele CA134590.

ClinVar aggregate classification (germline): Benign. Review status: reviewed by expert panel (3 of 4 stars). 10 submissions from 10 submitters: Benign (1). 9 of the submissions do not count toward it. Last evaluated 2017-05-09.

Conditions:
RASopathy. Also called: rasopathies; Noonan spectrum disorder. Identifiers: Orphanet 536391, MedGen C5555857, MONDO:0021060.

Allele frequency attached by ClinVar (database versions not stated): gnomAD exomes 0.08403 and 0.08408; 1000 Genomes Project 0.08926; TOPMed 0.09029; ESP Exome Variant Server 0.09177; gnomAD 0.09217 and 0.09409; ExAC 0.08434; 1000 Genomes Project 30x 0.08620.
gnomAD v4.1: 136,853 of 1,610,260 alleles (8.5%); highest among the groups gnomAD compares: African/African-American, 11%; 6,018 homozygotes.

Submissions (10):

ClinGen RASopathy Variant Curation Expert Panel
Classification: Benign for Noonan syndrome and Noonan-related syndrome. Last evaluated: 2017-05-09. Review status: reviewed by expert panel. Criteria: ClinGen RASopathy ACMG Specifications v1. Collection method: curation. Allele origin: germline. Inheritance: Autosomal dominant inheritance.
Comment: The filtering allele frequency of the c.1023-8C>T variant in the MAP2K1 gene is 10.315% (1128/10406) of African chromosomes by the Exome Aggregation Consortium, which is a high enough frequency to be classified as benign based on thresholds defined by the ClinGen RASopathy Expert Panel (BA1; PMID:29493581)

Labcorp Genetics (formerly Invitae), Labcorp
Classification: Benign for RASopathy. Last evaluated: 2026-02-04. Review status: criteria provided, single submitter. Criteria: Invitae Variant Classification Sherloc (09022015). Collection method: clinical testing. Allele origin: germline. Not counted in ClinVar's aggregate classification.

ARUP Laboratories, Molecular Genetics and Genomics, ARUP Laboratories
Classification: Benign. Last evaluated: 2025-07-28. Review status: criteria provided, single submitter. Criteria: ARUP Molecular Germline Variant Investigation Process 2024. Collection method: clinical testing. Allele origin: germline. Not counted in ClinVar's aggregate classification.

Blueprint Genetics
Classification: Likely benign. Last evaluated: 2024-11-27. Review status: criteria provided, single submitter. Criteria: ACMG Guidelines, 2015. Collection method: clinical testing. Allele origin: germline. Not counted in ClinVar's aggregate classification.

Mayo Clinic Laboratories, Mayo Clinic
Classification: Benign. Last evaluated: 2015-06-11. Review status: criteria provided, single submitter. Criteria: ACMG Guidelines, 2015. Collection method: clinical testing. Allele origin: germline. Observed: 275 variant alleles. Not counted in ClinVar's aggregate classification.

GeneDx
Classification: Benign. Last evaluated: 2015-03-03. Review status: criteria provided, single submitter. Criteria: GeneDx Variant Classification Process June 2021. Collection method: clinical testing. Allele origin: germline. Affected: yes. Not counted in ClinVar's aggregate classification.

Laboratory for Molecular Medicine, Mass General Brigham Personalized Medicine
Classification: Benign. Last evaluated: 2008-10-03. Review status: criteria provided, single submitter. Criteria: LMM Criteria. Collection method: clinical testing. Allele origin: germline. Observed: 484 variant alleles. Not counted in ClinVar's aggregate classification.

Breakthrough Genomics
Classification: Benign. Review status: criteria provided, single submitter. Criteria: ACMG Guidelines, 2015. Collection method: not provided. Allele origin: germline. Inheritance: Unknown mechanism. Affected: yes. Not counted in ClinVar's aggregate classification.

PreventionGenetics, part of Exact Sciences
Classification: Benign. Review status: criteria provided, single submitter. Criteria: ACMG Guidelines, 2015. Collection method: clinical testing. Allele origin: germline. Not counted in ClinVar's aggregate classification.

Greenwood Genetic Center Diagnostic Laboratories, Greenwood Genetic Center
Classification: Benign. Last evaluated: 2015-01-15. Review status: no assertion criteria provided. Collection method: clinical testing. Allele origin: germline. Not counted in ClinVar's aggregate classification.